The following is an entry in ClinVar:

ClinVar aggregate classification (germline): Conflicting classifications of pathogenicity. Review status: criteria provided, conflicting classifications (1 of 4 stars). 12 submissions from 12 submitters: Uncertain significance (11); Likely benign (1). Last evaluated 2026-09-01.

Conditions:
Hereditary cancer-predisposing syndrome. Also called: Neoplastic Syndromes, Hereditary; Tumor predisposition; Hereditary Cancer Syndrome; Hereditary neoplastic syndrome. Identifiers: Orphanet 140162, MedGen C0027672, MeSH D009386, MONDO:0015356.
Familial cancer of breast. Also called: BREAST CANCER, FAMILIAL; hereditary breast carcinoma; Hereditary breast cancer. Identifiers: Orphanet 227535, MedGen C0346153, MONDO:0016419, OMIM 114480. Disease mechanism: loss of function.

Allele frequency attached by ClinVar (database versions not stated): gnomAD exomes 0.00001.
gnomAD v4.1: 9 of 1,614,190 alleles (0.00056%); highest among the groups gnomAD compares: South Asian, 0.0022%; no homozygotes.

Submissions (12):

CeGaT Center for Human Genetics Tuebingen
Classification: Uncertain significance. Last evaluated: 2026-09-01. Review status: criteria provided, single submitter. Criteria: CeGaT Center For Human Genetics Tuebingen Variant Classification Criteria Version 2. Collection method: clinical testing. Allele origin: germline. Affected: yes. Observed: 1 variant allele.
Comment: BARD1: PM2:Supporting

Center for Genomic Medicine, Rigshospitalet, Copenhagen University Hospital
Classification: Uncertain significance. Last evaluated: 2025-12-29. Review status: criteria provided, single submitter. Criteria: ACMG Guidelines, 2015. Collection method: clinical testing. Allele origin: germline.

Labcorp Genetics (formerly Invitae), Labcorp
Classification: Uncertain significance for Familial cancer of breast. Last evaluated: 2025-07-14. Review status: criteria provided, single submitter. Criteria: Invitae Variant Classification Sherloc (09022015). Collection method: clinical testing. Allele origin: germline.
Comment: This sequence change replaces tyrosine, which is neutral and polar, with cysteine, which is neutral and slightly polar, at codon 739 of the BARD1 protein (p.Tyr739Cys). This variant is present in population databases (rs777013688, gnomAD 0.006%). This variant has not been reported in the literature in individuals affected with BARD1-related conditions. ClinVar contains an entry for this variant (Variation ID: 216441). An algorithm developed to predict the effect of missense changes on protein structure and function (PolyPhen-2) suggests that this variant is likely to be disruptive. In summary, the available evidence is currently insufficient to determine the role of this variant in disease. Therefore, it has been classified as a Variant of Uncertain Significance.

Myriad Genetics, Inc.
Classification: Likely benign for Familial cancer of breast. Last evaluated: 2025-06-23. Review status: criteria provided, single submitter. Criteria: Myriad Autosomal Dominant, Autosomal Recessive and X-Linked Classification Criteria (2023). Collection method: clinical testing. Allele origin: unknown.
Comment: This variant is considered likely benign. This variant is strongly associated with less severe personal and family histories of cancer, typical for individuals without pathogenic variants in this gene [PMID: 25085752].

Ambry Genetics
Classification: Uncertain significance for Hereditary cancer-predisposing syndrome. Last evaluated: 2024-02-16. Review status: criteria provided, single submitter. Criteria: Ambry Variant Classification Scheme 2023. Collection method: clinical testing. Allele origin: germline.
Comment: The p.Y739C variant (also known as c.2216A>G), located in coding exon 11 of the BARD1 gene, results from an A to G substitution at nucleotide position 2216. The tyrosine at codon 739 is replaced by cysteine, an amino acid with highly dissimilar properties. This amino acid position is highly conserved in available vertebrate species. In addition, the in silico prediction for this alteration is inconclusive. Based on the available evidence, the clinical significance of this alteration remains unclear.

Quest Diagnostics Nichols Institute San Juan Capistrano
Classification: Uncertain significance. Last evaluated: 2023-11-27. Review status: criteria provided, single submitter. Criteria: Quest Diagnostics criteria. Collection method: clinical testing. Allele origin: unknown.
Comment: The BARD1 c.2216A>G (p.Tyr739Cys) variant has been reported in the published literature in an individual with breast cancer (PMID: 33471991 (2021), see also LOVD). This variant has also been reported in unaffected individuals (PMID: 33471991 (2021), 36243179 (2022), see also LOVD). The frequency of this variant in the general population, 0.000035 (4/113620 chromosomes (Genome Aggregation Database)), is uninformative in the assessment of its pathogenicity. Analysis of this variant using bioinformatics tools for the prediction of the effect of amino acid changes on protein structure and function yielded predictions that this variant is damaging. Based on the available information, we are unable to determine the clinical significance of this variant.

Baylor Genetics
Classification: Uncertain significance for Familial cancer of breast. Last evaluated: 2023-08-15. Review status: criteria provided, single submitter. Criteria: ACMG Guidelines, 2015. Collection method: clinical testing. Allele origin: unknown.

Institute of Human Genetics, University of Leipzig Medical Center
Classification: Uncertain significance for Familial cancer of breast. Last evaluated: 2023-04-19. Review status: criteria provided, single submitter. Criteria: ACMG Guidelines, 2015. Collection method: clinical testing. Allele origin: unknown. Affected: yes.
Comment: _x000D_ Criteria applied: PM2_SUP, PP3

Institute for Clinical Genetics, University Hospital TU Dresden, University Hospital TU Dresden
Classification: Uncertain significance. Last evaluated: 2021-11-03. Review status: criteria provided, single submitter. Criteria: ACMG Guidelines, 2015. Collection method: clinical testing. Allele origin: germline.

Color Diagnostics, LLC DBA Color Health
Classification: Uncertain significance for Hereditary cancer-predisposing syndrome. Last evaluated: 2021-10-05. Review status: criteria provided, single submitter. Criteria: ACMG Guidelines, 2015. Collection method: clinical testing. Allele origin: germline.
Comment: This missense variant replaces tyrosine with cysteine at codon 739 of the BARD1 protein. Computational prediction suggests that this variant may not impact protein structure and function (internally defined REVEL score threshold <= 0.5, PMID: 27666373). To our knowledge, functional studies have not been reported for this variant. This variant has not been reported in individuals affected with hereditary cancer in the literature. This variant has been identified in 6/251310 chromosomes in the general population by the Genome Aggregation Database (gnomAD). The available evidence is insufficient to determine the role of this variant in disease conclusively. Therefore, this variant is classified as a Variant of Uncertain Significance.

GeneDx
Classification: Uncertain significance. Last evaluated: 2020-10-15. Review status: criteria provided, single submitter. Criteria: GeneDx Variant Classification Process June 2021. Collection method: clinical testing. Allele origin: germline. Affected: yes.
Comment: Not observed at a significant frequency in large population cohorts (Lek 2016); In silico analysis supports that this missense variant has a deleterious effect on protein structure/function; Has not been previously published as pathogenic or benign to our knowledge

Mendelics
Classification: Uncertain significance for Familial cancer of breast. Last evaluated: 2018-07-02. Review status: criteria provided, single submitter. Criteria: Mendelics Assertion Criteria 2017. Collection method: clinical testing. Allele origin: unknown.

Literature cited by the submitters: PubMed 25085752 (cited by Myriad Genetics, Inc.); PubMed 36243179 (cited by Quest Diagnostics Nichols Institute San Juan Capistrano); PubMed 33471991 (cited by Quest Diagnostics Nichols Institute San Juan Capistrano).

NM_000465.4(BARD1):c.2216A>G (p.Tyr739Cys)

Gene: BARD1 (BRCA1 associated RING domain 1; minus strand). Cytogenetic location: 2q35.
Variant type: single nucleotide variant.
Coding change: c.2216A>G on transcript NM_000465.4 (MANE Select); coding-DNA position 2216, A replaced by G.
Protein change: p.Tyr739Cys; replaces tyrosine 739 with cysteine.
Molecular consequence: missense variant. On other transcripts: non-coding transcript variant (3).
Genome position (GRCh38, 1-based): chr2:214,728,794, T>C on the plus strand (A>G on the coding strand, the complement: BARD1 is on the minus strand). VCF-style: chr2-214728794-T-C. GRCh37 (hg19) VCF-style: chr2-215593518-T-C.
Other names: c.2159A>G, p.Tyr720Cys (NM_001282543.2); c.863A>G, p.Tyr288Cys (NM_001282545.2); c.806A>G, p.Tyr269Cys (NM_001282548.2); c.677A>G, p.Tyr226Cys (NM_001282549.2); short protein forms Y739C, Y226C, Y288C, Y720C, Y269C.
Identifiers: ClinVar variation 216441 (VCV000216441.36), dbSNP rs777013688, ClinGen allele CA339298.